The following is an entry in ClinVar:

ClinVar aggregate classification (germline): Pathogenic/Likely pathogenic. Review status: no assertion criteria provided (0 of 4 stars). 2 submissions from 2 submitters: Pathogenic (1); Likely pathogenic (1). Last evaluated 2021-07-15.

Conditions:
Visceral myopathy 1 (VSCM1). Also called: ACTG2 Visceral Myopathy; Visceral myopathy; Infantile visceral myopathy. Identifiers: Orphanet 2604, MedGen C5542197, MONDO:0020754, OMIM 155310.

Submissions (2):

OMIM
Classification: Pathogenic for VISCERAL MYOPATHY 1. Last evaluated: 2021-07-15. Review status: no assertion criteria provided. Collection method: literature only. Allele origin: germline.

Department of Paediatric Surgery, The Canberra Hospital
Classification: Likely pathogenic for Visceral Myopathy. Last evaluated: 2014-03-28. Review status: no assertion criteria provided. Collection method: clinical testing. Allele origin: germline. Inheritance: Autosomal dominant inheritance. Affected: yes. Observed: 6 variant alleles.
Comment: Strongly associated with severe chronic constipation, TPN dependence in some cases, and early death.

The heterozygous ACTG2:c.443G>T mutation (p.Arg148Leu) was identified in 6 affected individuals with visceral myopathy (VSCM: 155310) over 2 generations in an Australian family. The mutation was not found in 6 unaffected family members.

Literature cited by the submitters: PubMed 29781137 (cited by OMIM).

NM_001615.4(ACTG2):c.443G>T (p.Arg148Leu)

Gene: ACTG2 (actin gamma 2, smooth muscle; plus strand). Cytogenetic location: 2p13.1.
Variant type: single nucleotide variant.
Coding change: c.443G>T on transcript NM_001615.4 (MANE Select); coding-DNA position 443, G replaced by T.
Protein change: p.Arg148Leu; replaces arginine 148 with leucine.
Molecular consequence: missense variant.
Genome position (GRCh38, 1-based): chr2:73,909,131, G>T. VCF-style: chr2-73909131-G-T. GRCh37 (hg19) VCF-style: chr2-74136258-G-T.
Other names: ACTG2, ARG148LEU (rs730880256); c.314G>T, p.Arg105Leu (NM_001199893.2); short protein forms R148L, R105L.
Identifiers: ClinVar variation 180620 (VCV000180620.3), dbSNP rs730880256, ClinGen allele CA295847.